The following is an entry in ClinVar:

ClinVar aggregate classification (germline): Uncertain significance (1 of 4 stars; one submission).

Submission:

CeGaT Center for Human Genetics Tuebingen
Classification: Uncertain significance. Last evaluated: 2025-06-01. Review status: criteria provided, single submitter. Criteria: CeGaT Center For Human Genetics Tuebingen Variant Classification Criteria Version 2. Collection method: clinical testing. Allele origin: germline. Affected: yes. Observed: 1 variant allele.
Comment: KCNT1: PM2

NM_020822.3(KCNT1):c.1715T>A (p.Phe572Tyr)

Gene: KCNT1 (potassium sodium-activated channel subfamily T member 1; plus strand). Cytogenetic location: 9q34.3.
Variant type: single nucleotide variant.
Coding change: c.1715T>A on transcript NM_020822.3 (MANE Select); coding-DNA position 1715, T replaced by A.
Protein change: p.Phe572Tyr; replaces phenylalanine 572 with tyrosine.
Molecular consequence: missense variant.
Genome position (GRCh38, 1-based): chr9:135,770,393, T>A. VCF-style: chr9-135770393-T-A. GRCh37 (hg19) VCF-style: chr9-138662239-T-A.
Other names: c.1580T>A, p.Phe527Tyr (NM_001272003.2); short protein forms F527Y, F572Y.
Identifiers: ClinVar variation 3906107 (VCV003906107.10).